The following is an entry in ClinVar:

ClinVar aggregate classification (germline): Likely benign. Review status: criteria provided, single submitter (1 of 4 stars). 2 submissions from 2 submitters: Likely benign (1). 1 of the submissions does not count toward it. Last evaluated 2025-06-13.

Conditions:
Inborn genetic diseases. Identifiers: MedGen C0950123, MeSH D030342.
PKD1-related disorder. Also called: PKD1-related condition.

Allele frequency attached by ClinVar (database versions not stated): gnomAD 0.00007; ExAC 0.00015; gnomAD exomes 0.00002; TOPMed 0.00002; 1000 Genomes Project 0.00020; 1000 Genomes Project 30x 0.00031.
gnomAD v4.1: 32 of 1,610,292 alleles (0.002%); highest among the groups gnomAD compares: East Asian, 0.047%; 1 homozygote.

Submissions (2):

Ambry Genetics
Classification: Likely benign for Inborn genetic diseases. Last evaluated: 2025-06-13. Review status: criteria provided, single submitter. Criteria: Ambry Variant Classification Scheme 2023. Collection method: clinical testing. Allele origin: germline.

PreventionGenetics, part of Exact Sciences
Classification: Likely benign for PKD1-related condition. Last evaluated: 2021-05-27. Review status: no assertion criteria provided. Collection method: clinical testing. Allele origin: germline. Not counted in ClinVar's aggregate classification.
Comment: This variant is classified as likely benign based on ACMG/AMP sequence variant interpretation guidelines (Richards et al. 2015 PMID: 25741868, with internal and published modifications).

NM_001009944.3(PKD1):c.4481G>A (p.Arg1494His)

Gene: PKD1 (polycystin 1, transient receptor potential channel interacting; minus strand). Cytogenetic location: 16p13.3.
Variant type: single nucleotide variant.
Coding change: c.4481G>A on transcript NM_001009944.3 (MANE Select); coding-DNA position 4481, G replaced by A.
Protein change: p.Arg1494His; replaces arginine 1494 with histidine.
Molecular consequence: missense variant.
Genome position (GRCh38, 1-based): chr16:2,110,686, C>T on the plus strand (G>A on the coding strand, the complement: PKD1 is on the minus strand). VCF-style: chr16-2110686-C-T. GRCh37 (hg19) VCF-style: chr16-2160687-C-T.
Other names: c.4481G>A, p.Arg1494His (NM_000296.4); c.4481G>A (NM_000296.3); short protein forms R1494H.
Identifiers: ClinVar variation 3054512 (VCV003054512.3), dbSNP rs559596651, ClinGen allele CA7832359.